The following is an entry in ClinVar:

NM_000246.4(CIITA):c.1477C>T (p.Arg493Cys)

Gene: CIITA (class II major histocompatibility complex transactivator; plus strand). Cytogenetic location: 16p13.13.
Variant type: single nucleotide variant.
Coding change: c.1477C>T on transcript NM_000246.4 (MANE Select); coding-DNA position 1477, C replaced by T.
Protein change: p.Arg493Cys; replaces arginine 493 with cysteine.
Molecular consequence: missense variant. On other transcripts: intron variant (1).
Genome position (GRCh38, 1-based): chr16:10,906,969, C>T. VCF-style: chr16-10906969-C-T. GRCh37 (hg19) VCF-style: chr16-11000826-C-T.
Other names: c.1480C>T, p.Arg494Cys (NM_001286402.1, NM_001379332.1); c.1333C>T, p.Arg445Cys (NM_001379330.1); c.1330C>T, p.Arg444Cys (NM_001379331.1); c.1477C>T, p.Arg493Cys (NM_001379333.1); c.1408C>T, p.Arg470Cys (NM_001379334.1); c.860-2014C>T (NM_001286403.2); short protein forms R444C, R445C, R494C, R470C, R493C.
Identifiers: ClinVar variation 2184564 (VCV002184564.1), dbSNP rs751075993, ClinGen allele CA7900139.

ClinVar aggregate classification (germline): Uncertain significance (1 of 4 stars; one submission).

Conditions:
MHC class II deficiency. Also called: Bare lymphocyte syndrome 2; BLS, TYPE II. Identifiers: Orphanet 572, MedGen C5447452, MONDO:0008855.

Allele frequency attached by ClinVar (database versions not stated): ExAC 0.00001; TOPMed 0.00002; gnomAD exomes 0.00003; gnomAD 0.00005.
gnomAD v4.1: 44 of 1,612,220 alleles (0.0027%); highest among the groups gnomAD compares: African/African-American, 0.0053%; no homozygotes.

Submission:

Labcorp Genetics (formerly Invitae), Labcorp
Classification: Uncertain significance for MHC class II deficiency. Last evaluated: 2021-08-30. Review status: criteria provided, single submitter. Criteria: Invitae Variant Classification Sherloc (09022015). Collection method: clinical testing. Allele origin: germline.
Comment: This sequence change replaces arginine with cysteine at codon 493 of the CIITA protein (p.Arg493Cys). The arginine residue is moderately conserved and there is a large physicochemical difference between arginine and cysteine. This variant is present in population databases (rs751075993, ExAC 0.002%). This variant has not been reported in the literature in individuals affected with CIITA-related conditions. Algorithms developed to predict the effect of missense changes on protein structure and function (SIFT, PolyPhen-2, Align-GVGD) all suggest that this variant is likely to be disruptive. In summary, the available evidence is currently insufficient to determine the role of this variant in disease. Therefore, it has been classified as a Variant of Uncertain Significance.